The following is an entry in ClinVar:

NM_024642.5(GALNT12):c.1630T>A (p.Ser544Thr)

Gene: GALNT12 (polypeptide N-acetylgalactosaminyltransferase 12; plus strand). Cytogenetic location: 9q22.33.
Variant type: single nucleotide variant.
Coding change: c.1630T>A on transcript NM_024642.5 (MANE Select); coding-DNA position 1630, T replaced by A.
Protein change: p.Ser544Thr; replaces serine 544 with threonine.
Molecular consequence: missense variant.
Genome position (GRCh38, 1-based): chr9:98,848,976, T>A. VCF-style: chr9-98848976-T-A. GRCh37 (hg19) VCF-style: chr9-101611258-T-A.
Other names: short protein forms S544T.
Identifiers: ClinVar variation 852261 (VCV000852261.9), dbSNP rs1836484489, ClinGen allele CA374222796.

ClinVar aggregate classification (germline): Uncertain significance (1 of 4 stars; one submission).

Submission:

Labcorp Genetics (formerly Invitae), Labcorp
Classification: Uncertain significance. Last evaluated: 2019-03-21. Review status: criteria provided, single submitter. Criteria: Invitae Variant Classification Sherloc (09022015). Collection method: clinical testing. Allele origin: germline.
Comment: In summary, the available evidence is currently insufficient to determine the role of this variant in disease. Therefore, it has been classified as a Variant of Uncertain Significance. Algorithms developed to predict the effect of missense changes on protein structure and function output the following: SIFT: "Tolerated"; PolyPhen-2: "Benign"; Align-GVGD: "Class C0". The threonine amino acid residue is found in multiple mammalian species, suggesting that this missense change does not adversely affect protein function. These predictions have not been confirmed by published functional studies and their clinical significance is uncertain. This variant has not been reported in the literature in individuals with GALNT12-related conditions. This variant is not present in population databases (ExAC no frequency). This sequence change replaces serine with threonine at codon 544 of the GALNT12 protein (p.Ser544Thr). The serine residue is highly conserved and there is a small physicochemical difference between serine and threonine.